The following is an entry in ClinVar:

ClinVar aggregate classification (germline): Pathogenic (1 of 4 stars; one submission).

Conditions:
Arginase deficiency. Also called: ARGININEMIA; ARG1 DEFICIENCY; Arginase 1 Deficiency. Identifiers: Orphanet 90, MedGen C0268548, MONDO:0008814, OMIM 207800.

Submission:

Foundation for Research in Genetics and Endocrinology, FRIGE's Institute of Human Genetics
Classification: Pathogenic for Arginase deficiency. Last evaluated: 2026-02-20. Review status: criteria provided, single submitter. Criteria: ACMG Guidelines, 2015. Collection method: clinical testing. Allele origin: germline. Inheritance: Autosomal recessive inheritance. Affected: yes. Observed: 1 variant allele, 1 homozygote.
Comment: A homozygous frameshift variant, c.484_487delinsCTC (p.Phe162LeufsTer4), was identified in exon 5 of the ARG1 gene. This variant has not been reported in the 1000 genomes and gnomAD databases. The in-silico prediction of the variant is deleterious by MutationTaster. The resultant protein is likely to lack the major functional domains of the protein [Uniprot]; this will likely result in loss-of- function. In summary, the variant meets our criteria to be classified as pathogenic.

NM_000045.4(ARG1):c.484_487delinsCTC (p.Phe162fs)

Genes: ARG1 (arginase 1; plus strand), MED23 (mediator complex subunit 23; minus strand). Cytogenetic location: 6q23.2.
Variant type: Indel.
Coding change: c.484_487delinsCTC on transcript NM_000045.4 (MANE Select); coding-DNA positions 484 to 487, TTCT replaced by CTC.
Protein change: p.Phe162fs; shifts the reading frame from phenylalanine 162.
Molecular consequence: frameshift variant. On other transcripts: non-coding transcript variant (1), intron variant (3).
Genome position (GRCh38, 1-based): chr6:131,582,639-131,582,642, TTCT replaced by CTC. VCF-style: chr6-131582639-TTCT-CTC. GRCh37 (hg19) VCF-style: chr6-131903779-TTCT-CTC.
Other names: p.Phe162LeufsTer4; c.508_511delinsCTC, p.Phe170fs (NM_001244438.2); c.306-421_306-418delinsCTC (NM_001369020.1); c.4077+5067_4077+5070delinsGAG (NM_001270521.2); c.4095+5067_4095+5070delinsGAG (NM_015979.4); short protein forms F162fs, F170fs.
Identifiers: ClinVar variation 4884339 (VCV004884339.1).